The following is an entry in ClinVar:

NM_001395159.1(UNC79):c.6438G>A (p.Ala2146=)

Gene: UNC79 (unc-79 subunit of NALCN channel complex; plus strand). Cytogenetic location: 14q32.12.
Variant type: single nucleotide variant.
Coding change: c.6438G>A on transcript NM_001395159.1 (MANE Select); coding-DNA position 6438, G replaced by A.
Protein change: p.Ala2146=; no amino-acid change (alanine 2146 retained).
Molecular consequence: synonymous variant.
Genome position (GRCh38, 1-based): chr14:93,653,763, G>A. VCF-style: chr14-93653763-G-A. GRCh37 (hg19) VCF-style: chr14-94120109-G-A.
Other names: c.6372G>A, p.Ala2124= (NM_001346218.2); c.5691G>A, p.Ala1897= (NM_020818.5).
Identifiers: ClinVar variation 4979176 (VCV004979176.1).

ClinVar aggregate classification (germline): Likely benign (1 of 4 stars; one submission).

Conditions:
UNC79-related disorder. Also called: UNC79-related condition.

gnomAD v4.1: 697 of 1,610,206 alleles (0.043%); highest among the groups gnomAD compares: African/African-American, 0.83%; 7 homozygotes.

Submission:

PreventionGenetics, part of Exact Sciences
Classification: Likely benign for UNC79-related condition. Last evaluated: 2025-10-30. Review status: criteria provided, single submitter. Criteria: ACMG Guidelines, 2015. Collection method: clinical testing. Allele origin: germline.
Comment: This variant is classified as likely benign based on ACMG/AMP sequence variant interpretation guidelines (Richards et al. 2015 PMID: 25741868, with internal and published modifications).